The following is an entry in ClinVar:

NM_000038.6(APC):c.4804_4806delinsACA (p.Pro1602Thr)

Gene: APC (APC regulator of Wnt signaling pathway; plus strand). Cytogenetic location: 5q22.2.
Variant type: Indel.
Coding change: c.4804_4806delinsACA on transcript NM_000038.6 (MANE Select); coding-DNA positions 4804 to 4806, CCT replaced by ACA.
Protein change: p.Pro1602Thr; replaces proline 1602 with threonine.
Molecular consequence: missense variant.
Genome position (GRCh38, 1-based): chr5:112,840,398-112,840,400, CCT replaced by ACA. VCF-style: chr5-112840398-CCT-ACA. GRCh37 (hg19) VCF-style: chr5-112176095-CCT-ACA.
Other names: c.4804_4806delinsACA, p.Pro1602Thr (NM_001127510.3, NM_001354895.2); c.4750_4752delinsACA, p.Pro1584Thr (NM_001127511.3); c.4858_4860delinsACA, p.Pro1620Thr (NM_001354896.2); c.4834_4836delinsACA, p.Pro1612Thr (NM_001354897.2); c.4729_4731delinsACA, p.Pro1577Thr (NM_001354898.2); c.4720_4722delinsACA, p.Pro1574Thr (NM_001354899.2); c.4681_4683delinsACA, p.Pro1561Thr (NM_001354900.2); c.4627_4629delinsACA, p.Pro1543Thr (NM_001354901.2); and 5 more; short protein forms P1319T, P1442T, P1612T, P1561T, P1584T, P1602T, P1476T, P1501T.
Identifiers: ClinVar variation 489459 (VCV000489459.13), dbSNP rs1554086216, ClinGen allele CA658683422.

ClinVar aggregate classification (germline): Uncertain significance. Review status: criteria provided, multiple submitters, no conflicts (2 of 4 stars). 3 submissions from 3 submitters: Uncertain significance (3). Last evaluated 2025-04-25.

Conditions:
Hereditary cancer-predisposing syndrome. Also called: Hereditary Cancer Syndrome; Neoplastic Syndromes, Hereditary; Tumor predisposition; Hereditary neoplastic syndrome. Identifiers: Orphanet 140162, MedGen C0027672, MeSH D009386, MONDO:0015356.
Familial adenomatous polyposis 1 (FAP1). Also called: POLYPOSIS, ADENOMATOUS INTESTINAL; FAMILIAL ADENOMATOUS POLYPOSIS 1, ATTENUATED. Identifiers: MedGen C2713442, MONDO:0021056, OMIM 175100. Disease mechanism: loss of function.

Submissions (3):

Ambry Genetics
Classification: Uncertain significance for Hereditary cancer-predisposing syndrome. Last evaluated: 2025-04-25. Review status: criteria provided, single submitter. Criteria: Ambry Variant Classification Scheme 2023. Collection method: clinical testing. Allele origin: germline.
Comment: The c.4804_4806delCCTinsACA variant (also known as p.P1602T), located in coding exon 15 of the APC gene, results from an in-frame deletion of CCT and insertion of ACA at nucleotide positions 4804 to 4806. This results in the substitution of the proline residue for a threonine residue at codon 1602, an amino acid with highly similar properties. This amino acid position is well conserved in available vertebrate species. In addition, in silico predictors for this gene do not accurately predict pathogenicity. Based on the available evidence, the clinical significance of this variant remains unclear.

Color Diagnostics, LLC DBA Color Health
Classification: Uncertain significance for Hereditary cancer-predisposing syndrome. Last evaluated: 2024-03-06. Review status: criteria provided, single submitter. Criteria: ACMG Guidelines, 2015. Collection method: clinical testing. Allele origin: germline.
Comment: This missense variant replaces proline with threonine at codon 1602 of the APC protein. Computational prediction is inconclusive regarding the impact of this variant on protein structure and function (internally defined REVEL score threshold 0.5 < inconclusive < 0.7, PMID: 27666373). To our knowledge, functional studies have not been reported for this variant. This variant has not been reported in individuals affected with hereditary cancer in the literature. This variant has not been identified in the general population by the Genome Aggregation Database (gnomAD). The available evidence is insufficient to determine the role of this variant in disease conclusively. Therefore, this variant is classified as a Variant of Uncertain Significance.

Labcorp Genetics (formerly Invitae), Labcorp
Classification: Uncertain significance for Familial adenomatous polyposis 1. Last evaluated: 2018-03-31. Review status: criteria provided, single submitter. Criteria: Invitae Variant Classification Sherloc (09022015). Collection method: clinical testing. Allele origin: germline.
Comment: This sequence change replaces proline with threonine at codon 1602 of the APC protein (p.Pro1602Thr). The proline residue is highly conserved and there is a small physicochemical difference between proline and threonine. This variant is not present in population databases (ExAC no frequency). This variant has not been reported in the literature in individuals with APC-related disease. ClinVar contains an entry for this variant (Variation ID: 489459). Algorithms developed to predict the effect of missense changes on protein structure and function (SIFT, PolyPhen-2, Align-GVGD) all suggest that this variant is likely to be disruptive, but these predictions have not been confirmed by published functional studies and their clinical significance is uncertain. In summary, the available evidence is currently insufficient to determine the role of this variant in disease. Therefore, it has been classified as a Variant of Uncertain Significance.